The following is an entry in ClinVar:

NM_007190.4(SEC23IP):c.1912G>C (p.Asp638His)

Gene: SEC23IP (SEC23 interacting protein; plus strand). Cytogenetic location: 10q26.12.
Variant type: single nucleotide variant.
Coding change: c.1912G>C on transcript NM_007190.4 (MANE Select); coding-DNA position 1912, G replaced by C.
Protein change: p.Asp638His; replaces aspartic acid 638 with histidine.
Molecular consequence: missense variant. On other transcripts: non-coding transcript variant (1).
Genome position (GRCh38, 1-based): chr10:119,919,483, G>C. VCF-style: chr10-119919483-G-C. GRCh37 (hg19) VCF-style: chr10-121678995-G-C.
Other names: c.1912G>C, p.Asp638His (NM_001411070.1); short protein forms D638H.
Identifiers: ClinVar variation 3039499 (VCV003039499.2), dbSNP rs114045527, ClinGen allele CA5718701.
Genomic context (GRCh38, chr10:119,919,483, plus strand): 5'-TTCATACTTTTTTTTTTAAAGATGCCTGAAGAGCCAAAGCTGACTTTGGATGAGTCGTAT[G>C]ACCTTGTTGTTGAAAATAAAGAAGTCCTAACTTTGCAAGAAACTCTGGAAGCACTTAGCC-3'
Protein context (NP_009121.1, residues 628-648): EPKLTLDESY[Asp638His]LVVENKEVLT

ClinVar aggregate classification (germline): Benign (0 of 4 stars; one submission).

Conditions:
SEC23IP-related disorder. Also called: SEC23IP-related condition.

Allele frequency attached by ClinVar (database versions not stated): gnomAD exomes 0.00124; ExAC 0.00457; gnomAD 0.01368; 1000 Genomes Project 0.01577; ESP Exome Variant Server 0.01592; TOPMed 0.01626; 1000 Genomes Project 30x 0.01780.
gnomAD v4.1: 3,960 of 1,612,670 alleles (0.25%); highest among the groups gnomAD compares: African/African-American, 4.7%; 76 homozygotes.

Submission:

PreventionGenetics, part of Exact Sciences
Classification: Benign for SEC23IP-related condition. Last evaluated: 2019-09-18. Review status: no assertion criteria provided. Collection method: clinical testing. Allele origin: germline.
Comment: This variant is classified as benign based on ACMG/AMP sequence variant interpretation guidelines (Richards et al. 2015 PMID: 25741868, with internal and published modifications).